The following is an entry in ClinVar:

NM_004187.5(KDM5C):c.1447del (p.Glu483fs)

Gene: KDM5C (lysine demethylase 5C; minus strand). Cytogenetic location: Xp11.22.
Variant type: Deletion.
Coding change: c.1447del on transcript NM_004187.5 (MANE Select); coding-DNA position 1447, one base deleted (G; older notation c.1447delG).
Protein change: p.Glu483fs; shifts the reading frame from glutamic acid 483.
Molecular consequence: frameshift variant. On other transcripts: non-coding transcript variant (3).
Genome position (GRCh38, 1-based): chrX:53,210,812, C deleted on the plus strand (G on the coding strand, the reverse complement: KDM5C is on the minus strand); the first of 2 consecutive C bases (chrX:53,210,812-53,210,813); deleting either gives the same sequence. VCF-style (leftmost placement, unchanged base first): chrX-53210811-TC-T. GRCh37 (hg19) VCF-style: chrX-53239993-TC-T.
Other names: c.1246del, p.Glu416fs (NM_001146702.2); c.1444del, p.Glu482fs (NM_001282622.3, NM_001353979.2, NM_001353982.2); c.1447del, p.Glu483fs (NM_001353978.3, NM_001353981.2, NM_001353984.2); short protein forms E416fs, E482fs, E483fs.
Identifiers: ClinVar variation 1709643 (VCV001709643.2), dbSNP rs2519509698, ClinGen allele CA2580101185.

ClinVar aggregate classification (germline): Likely pathogenic (1 of 4 stars; one submission).

Conditions:
Intellectual developmental disorder, X-linked, syndromic, Claes-Jensen type. Also called: Syndromic X-linked intellectual disability Claes-Jensen type; INTELLECTUAL DEVELOPMENTAL DISORDER, X-LINKED, SYNDROMIC 16; MENTAL RETARDATION, X-LINKED, SYNDROMIC 16. Identifiers: Orphanet 85279, MedGen C1845243, MONDO:0010355, OMIM 300534.

Submission:

MGZ Medical Genetics Center
Classification: Likely pathogenic for Intellectual developmental disorder, X-linked, syndromic, Claes-Jensen type. Last evaluated: 2022-02-14. Review status: criteria provided, single submitter. Criteria: ACMG Guidelines, 2015. Collection method: clinical testing. Allele origin: germline. Affected: yes. Observed: 1 variant allele.
Comment: ACMG criteria applied: PVS1, PM2_SUP